The following is an entry in ClinVar:

NM_001040108.2(MLH3):c.2502G>A (p.Lys834=)

Gene: MLH3 (mutL homolog 3; minus strand). Cytogenetic location: 14q24.3.
Variant type: single nucleotide variant.
Coding change: c.2502G>A on transcript NM_001040108.2 (MANE Select); coding-DNA position 2502, G replaced by A.
Protein change: p.Lys834=; no amino-acid change (lysine 834 retained).
Molecular consequence: synonymous variant.
Genome position (GRCh38, 1-based): chr14:75,047,154, C>T on the plus strand (G>A on the coding strand, the complement: MLH3 is on the minus strand). VCF-style: chr14-75047154-C-T. GRCh37 (hg19) VCF-style: chr14-75513857-C-T.
Other names: c.2502G>A, p.Lys834= (NM_014381.3).
Identifiers: ClinVar variation 4875837 (VCV004875837.1).

ClinVar aggregate classification (germline): Benign (1 of 4 stars; one submission).

Conditions:
Colorectal cancer, hereditary nonpolyposis, type 7. Identifiers: Orphanet 144, MedGen C1858380, MONDO:0013725, OMIM 614385.

gnomAD v4.1: 3 of 1,614,160 alleles (0.00019%); highest among the groups gnomAD compares: South Asian, 0.0033%; no homozygotes.

Submission:

Myriad Genetics, Inc.
Classification: Benign for Colorectal cancer, hereditary nonpolyposis, type 7. Last evaluated: 2026-05-05. Review status: criteria provided, single submitter. Criteria: Myriad Autosomal Dominant, Autosomal Recessive and X-Linked Classification Criteria (2023). Collection method: clinical testing. Allele origin: unknown.
Comment: This variant is considered benign. This variant is a silent/synonymous amino acid change and it is not expected to impact splicing.